The following is an entry in ClinVar:

ClinVar aggregate classification (germline): Uncertain significance. Review status: criteria provided, multiple submitters, no conflicts (2 of 4 stars). 3 submissions from 3 submitters: Uncertain significance (3). Last evaluated 2023-11-17.

Conditions:
Hereditary cancer-predisposing syndrome. Also called: Neoplastic Syndromes, Hereditary; Hereditary Cancer Syndrome; Tumor predisposition; Hereditary neoplastic syndrome. Identifiers: Orphanet 140162, MedGen C0027672, MeSH D009386, MONDO:0015356.
Aplastic anemia. Identifiers: Orphanet 182040, Orphanet 88, MedGen C0002874, MONDO:0015909, OMIM 609135, HP:0001915.
Microcephaly, normal intelligence and immunodeficiency (NBS). Also called: Ataxia telangiectasia variant V1; IMMUNODEFICIENCY, MICROCEPHALY, AND CHROMOSOMAL INSTABILITY; BERLIN BREAKAGE SYNDROME; Immunodeficiency, microcephaly with normal intelligence; SEEMANOVA SYNDROME II; Nijmegen breakage syndrome. Identifiers: Orphanet 647, MedGen C0398791, MONDO:0009623, OMIM 251260.

Allele frequency attached by ClinVar (database versions not stated): gnomAD exomes below 0.00001; gnomAD 0.00001.
gnomAD v4.1: 2 of 1,609,210 alleles (0.00012%); highest among the groups gnomAD compares: Non-Finnish European, 0.00017%; no homozygotes.

Submissions (3):

Labcorp Genetics (formerly Invitae), Labcorp
Classification: Uncertain significance for Microcephaly, normal intelligence and immunodeficiency. Last evaluated: 2023-11-17. Review status: criteria provided, single submitter. Criteria: Invitae Variant Classification Sherloc (09022015). Collection method: clinical testing. Allele origin: germline.
Comment: This sequence change replaces proline, which is neutral and non-polar, with arginine, which is basic and polar, at codon 700 of the NBN protein (p.Pro700Arg). This variant is present in population databases (no rsID available, gnomAD 0.0009%). This variant has not been reported in the literature in individuals affected with NBN-related conditions. ClinVar contains an entry for this variant (Variation ID: 1431204). An algorithm developed to predict the effect of missense changes on protein structure and function (PolyPhen-2) suggests that this variant is likely to be disruptive. In summary, the available evidence is currently insufficient to determine the role of this variant in disease. Therefore, it has been classified as a Variant of Uncertain Significance.

Ambry Genetics
Classification: Uncertain significance for Hereditary cancer-predisposing syndrome. Last evaluated: 2023-09-12. Review status: criteria provided, single submitter. Criteria: Ambry Variant Classification Scheme 2023. Collection method: clinical testing. Allele origin: germline.
Comment: The p.P700R variant (also known as c.2099C>G), located in coding exon 14 of the NBN gene, results from a C to G substitution at nucleotide position 2099. The proline at codon 700 is replaced by arginine, an amino acid with dissimilar properties. This amino acid position is highly conserved in available vertebrate species. In addition, this alteration is predicted to be deleterious by in silico analysis. Since supporting evidence is limited at this time, the clinical significance of this alteration remains unclear.

Baylor Genetics
Classification: Uncertain significance for Aplastic anemia. Last evaluated: 2023-07-29. Review status: criteria provided, single submitter. Criteria: ACMG Guidelines, 2015. Collection method: clinical testing. Allele origin: unknown.

NM_002485.5(NBN):c.2099C>G (p.Pro700Arg)

Gene: NBN (nibrin; minus strand). Cytogenetic location: 8q21.3.
Variant type: single nucleotide variant.
Coding change: c.2099C>G on transcript NM_002485.5 (MANE Select); coding-DNA position 2099, C replaced by G.
Protein change: p.Pro700Arg; replaces proline 700 with arginine.
Molecular consequence: missense variant.
Genome position (GRCh38, 1-based): chr8:89,943,338, G>C on the plus strand (C>G on the coding strand, the complement: NBN is on the minus strand). VCF-style: chr8-89943338-G-C. GRCh37 (hg19) VCF-style: chr8-90955566-G-C.
Other names: c.1853C>G, p.Pro618Arg (NM_001024688.3); short protein forms P618R, P700R.
Identifiers: ClinVar variation 1431204 (VCV001431204.11), dbSNP rs1367898317, ClinGen allele CA371675742.
Genomic context (GRCh38, chr8:89,943,338, plus strand): 5'-TCTAGTTCTGTATTCTTTCGAGCATGATGAGCTATTAGATCTGATCCTCCAATGATGTGT[G>C]GAAGTTTTCCTGCTCCAGGATATGTGACCTATTGAATAATAAAAGTAGTACAGTAAATCA-3'
Protein context (NP_002476.2, residues 690-710): KVTYPGAGKL[Pro700Arg]HIIGGSDLIA